The following is an entry in ClinVar:

ClinVar aggregate classification (germline): Uncertain significance (1 of 4 stars; one submission).

Conditions:
SDHD-related disorder. Also called: SDHD-related condition.

Submission:

PreventionGenetics, part of Exact Sciences
Classification: Uncertain significance for SDHD-related condition. Last evaluated: 2025-09-22. Review status: criteria provided, single submitter. Criteria: ACMG Guidelines, 2015. Collection method: clinical testing. Allele origin: germline.
Comment: The SDHD c.*367G>A variant is located in the 3' untranslated region. To our knowledge, this variant has not been reported in the literature or in a large population database (gnomAD), indicating this variant is rare. At the time of reporting, this variant was not present in ClinVar. At this time, the clinical significance of this variant is uncertain due to the absence of conclusive functional and genetic evidence.

NM_003002.4(SDHD):c.*367G>A

Gene: SDHD (succinate dehydrogenase complex subunit D; plus strand). Cytogenetic location: 11q23.1.
Variant type: single nucleotide variant.
Coding change: c.*367G>A on transcript NM_003002.4 (MANE Select); 367 bases downstream of the stop codon, G replaced by A.
Molecular consequence: 3 prime UTR variant. On other transcripts: non-coding transcript variant (1).
Genome position (GRCh38, 1-based): chr11:112,095,337, G>A. VCF-style: chr11-112095337-G-A. GRCh37 (hg19) VCF-style: chr11-111966061-G-A.
Other names: c.*444G>A (NM_001276503.2); c.*367G>A (NM_001276504.2); c.*545G>A (NM_001276506.2).
Identifiers: ClinVar variation 4995586 (VCV004995586.1).